The following is an entry in ClinVar:

NM_001080449.3(DNA2):c.1276A>T (p.Ile426Leu)

Gene: DNA2 (DNA replication helicase/nuclease 2; minus strand). Cytogenetic location: 10q21.3.
Variant type: single nucleotide variant.
Coding change: c.1276A>T on transcript NM_001080449.3 (MANE Select); coding-DNA position 1276, A replaced by T.
Protein change: p.Ile426Leu; replaces isoleucine 426 with leucine.
Molecular consequence: missense variant. On other transcripts: non-coding transcript variant (1).
Genome position (GRCh38, 1-based): chr10:68,443,056, T>A on the plus strand (A>T on the coding strand, the complement: DNA2 is on the minus strand). VCF-style: chr10-68443056-T-A. GRCh37 (hg19) VCF-style: chr10-70202813-T-A.
Other names: short protein forms I426L.
Identifiers: ClinVar variation 4737173 (VCV004737173.1).

ClinVar aggregate classification (germline): Uncertain significance (1 of 4 stars; one submission).

Submission:

Labcorp Genetics (formerly Invitae), Labcorp
Classification: Uncertain significance. Last evaluated: 2025-07-13. Review status: criteria provided, single submitter. Criteria: Invitae Variant Classification Sherloc (09022015). Collection method: clinical testing. Allele origin: germline.
Comment: This sequence change replaces isoleucine, which is neutral and non-polar, with leucine, which is neutral and non-polar, at codon 426 of the DNA2 protein (p.Ile426Leu). This variant is not present in population databases (gnomAD no frequency). This variant has not been reported in the literature in individuals affected with DNA2-related conditions. Invitae Evidence Modeling of protein sequence and biophysical properties (such as structural, functional, and spatial information, amino acid conservation, physicochemical variation, residue mobility, and thermodynamic stability) indicates that this missense variant is not expected to disrupt DNA2 protein function with a negative predictive value of 80%. In summary, the available evidence is currently insufficient to determine the role of this variant in disease. Therefore, it has been classified as a Variant of Uncertain Significance.